The following is an entry in ClinVar:

ClinVar aggregate classification (germline): Pathogenic. Review status: criteria provided, multiple submitters, no conflicts (2 of 4 stars). 2 submissions from 2 submitters: Pathogenic (2). Last evaluated 2022-06-17.

Conditions:
Inborn genetic diseases. Identifiers: MedGen C0950123, MeSH D030342.

Submissions (2):

Labcorp Genetics (formerly Invitae), Labcorp
Classification: Pathogenic. Last evaluated: 2022-06-17. Review status: criteria provided, single submitter. Criteria: Invitae Variant Classification Sherloc (09022015). Collection method: clinical testing. Allele origin: germline.
Comment: For these reasons, this variant has been classified as Pathogenic. Algorithms developed to predict the effect of sequence changes on RNA splicing suggest that this variant may disrupt the consensus splice site. ClinVar contains an entry for this variant (Variation ID: 520628). This premature translational stop signal has been observed in individual(s) with FBXL4-related conditions (PMID: 29565416). This variant is present in population databases (no rsID available, gnomAD 0.003%). This sequence change creates a premature translational stop signal (p.Asn276Ilefs*15) in the FBXL4 gene. It is expected to result in an absent or disrupted protein product. Loss-of-function variants in FBXL4 are known to be pathogenic (PMID: 23993193, 23993194, 25868664).

Ambry Genetics
Classification: Pathogenic for Inborn genetic diseases. Last evaluated: 2015-03-13. Review status: criteria provided, single submitter. Criteria: Ambry exome assertion method (8-5-2015). Collection method: clinical testing. Allele origin: germline. Affected: yes. Observed: 1 variant allele.

Literature cited by the submitters: PubMed 29565416 (cited by Labcorp Genetics (formerly Invitae), Labcorp); PubMed 23993193 (cited by Labcorp Genetics (formerly Invitae), Labcorp); PubMed 23993194 (cited by Labcorp Genetics (formerly Invitae), Labcorp); PubMed 25868664 (cited by Labcorp Genetics (formerly Invitae), Labcorp).

NM_001278716.2(FBXL4):c.827del (p.Asn276fs)

Gene: FBXL4 (F-box and leucine rich repeat protein 4; minus strand). Cytogenetic location: 6q16.2.
Variant type: Deletion.
Coding change: c.827del on transcript NM_001278716.2 (MANE Select); coding-DNA position 827, one base deleted (A; older notation c.827delA).
Protein change: p.Asn276fs; shifts the reading frame from asparagine 276.
Molecular consequence: frameshift variant.
Genome position (GRCh38, 1-based): chr6:98,917,405, T deleted on the plus strand (A on the coding strand, the reverse complement: FBXL4 is on the minus strand); the first of 3 consecutive T bases (chr6:98,917,405-98,917,407); deleting any one gives the same sequence. VCF-style (leftmost placement, unchanged base first): chr6-98917404-AT-A. GRCh37 (hg19) VCF-style: chr6-99365280-AT-A.
Other names: c.827del, p.Asn276fs (NM_012160.5); short protein forms N276fs.
Identifiers: ClinVar variation 520628 (VCV000520628.8), dbSNP rs1240941970, ClinGen allele CA569095618.